The following is an entry in ClinVar:

NM_001844.5(COL2A1):c.2982C>T (p.Phe994=)

Gene: COL2A1 (collagen type II alpha 1 chain; minus strand). Cytogenetic location: 12q13.11.
Variant type: single nucleotide variant.
Coding change: c.2982C>T on transcript NM_001844.5 (MANE Select); coding-DNA position 2982, C replaced by T.
Protein change: p.Phe994=; no amino-acid change (phenylalanine 994 retained).
Molecular consequence: synonymous variant.
Genome position (GRCh38, 1-based): chr12:47,978,312, G>A on the plus strand (C>T on the coding strand, the complement: COL2A1 is on the minus strand). VCF-style: chr12-47978312-G-A. GRCh37 (hg19) VCF-style: chr12-48372095-G-A.
Other names: c.2775C>T, p.Phe925= (NM_033150.3).
Identifiers: ClinVar variation 4986033 (VCV004986033.1).

ClinVar aggregate classification (germline): Likely benign (1 of 4 stars; one submission).

Conditions:
COL2A1-related disorder. Also called: COL2A1-related condition; COL2A1-related disorders.

gnomAD v4.1: 24 of 1,613,868 alleles (0.0015%); highest among the groups gnomAD compares: South Asian, 0.026%; no homozygotes.

Submission:

PreventionGenetics, part of Exact Sciences
Classification: Likely benign for COL2A1-related condition. Last evaluated: 2024-12-18. Review status: criteria provided, single submitter. Criteria: ACMG Guidelines, 2015. Collection method: clinical testing. Allele origin: germline.
Comment: This variant is classified as likely benign based on ACMG/AMP sequence variant interpretation guidelines (Richards et al. 2015 PMID: 25741868, with internal and published modifications).